The following is an entry in ClinVar:

NM_004046.6(ATP5F1A):c.200A>T (p.Asp67Val)

Gene: ATP5F1A (ATP synthase F1 subunit alpha; minus strand). Cytogenetic location: 18q21.1.
Variant type: single nucleotide variant.
Coding change: c.200A>T on transcript NM_004046.6 (MANE Select); coding-DNA position 200, A replaced by T.
Protein change: p.Asp67Val; replaces aspartic acid 67 with valine.
Molecular consequence: missense variant.
Genome position (GRCh38, 1-based): chr18:46,091,791, T>A on the plus strand (A>T on the coding strand, the complement: ATP5F1A is on the minus strand). VCF-style: chr18-46091791-T-A. GRCh37 (hg19) VCF-style: chr18-43671757-T-A.
Other names: c.50A>T, p.Asp17Val (NM_001001935.3, NM_001257335.2); c.200A>T, p.Asp67Val (NM_001001937.2, NM_001257334.2); short protein forms D17V, D67V.
Identifiers: ClinVar variation 2661959 (VCV002661959.5), dbSNP rs2512314494, ClinGen allele CA402358308.

ClinVar aggregate classification (germline): Uncertain significance. Review status: criteria provided, multiple submitters, no conflicts (2 of 4 stars). 2 submissions from 2 submitters: Uncertain significance (2). Last evaluated 2026-01-13.

Submissions (2):

GeneDx
Classification: Uncertain significance. Last evaluated: 2026-01-13. Review status: criteria provided, single submitter. Criteria: GeneDx Variant Classification Process June 2021. Collection method: clinical testing. Allele origin: germline.
Comment: Not observed at significant frequency in large population cohorts (gnomAD); In silico analysis supports that this missense variant has a deleterious effect on protein structure/function; Has not been previously published as pathogenic or benign to our knowledge

Labcorp Genetics (formerly Invitae), Labcorp
Classification: Uncertain significance. Last evaluated: 2023-03-17. Review status: criteria provided, single submitter. Criteria: Invitae Variant Classification Sherloc (09022015). Collection method: clinical testing. Allele origin: germline.
Comment: In summary, the available evidence is currently insufficient to determine the role of this variant in disease. Therefore, it has been classified as a Variant of Uncertain Significance. An algorithm developed to predict the effect of missense changes on protein structure and function (PolyPhen-2) suggests that this variant is likely to be tolerated. This variant has not been reported in the literature in individuals affected with ATP5A1-related conditions. This variant is not present in population databases (gnomAD no frequency). This sequence change replaces aspartic acid, which is acidic and polar, with valine, which is neutral and non-polar, at codon 67 of the ATP5A1 protein (p.Asp67Val).